The following is an entry in ClinVar:

ClinVar aggregate classification (germline): Pathogenic (1 of 4 stars; one submission).

Submission:

CeGaT Center for Human Genetics Tuebingen
Classification: Pathogenic. Last evaluated: 2022-05-01. Review status: criteria provided, single submitter. Criteria: CeGaT Center For Human Genetics Tuebingen Variant Classification Criteria Version 2. Collection method: clinical testing. Allele origin: germline. Affected: yes. Observed: 1 variant allele.
Comment: NIPBL: PVS1, PM2

NM_133433.4(NIPBL):c.8368C>T (p.Gln2790Ter)

Gene: NIPBL (NIPBL cohesin loading factor; plus strand). Cytogenetic location: 5p13.2.
Variant type: single nucleotide variant.
Coding change: c.8368C>T on transcript NM_133433.4 (MANE Select); coding-DNA position 8368, C replaced by T.
Protein change: p.Gln2790Ter; replaces glutamine 2790 with a stop codon.
Molecular consequence: nonsense. On other transcripts: 3 prime UTR variant (1).
Genome position (GRCh38, 1-based): chr5:37,064,845, C>T. VCF-style: chr5-37064845-C-T. GRCh37 (hg19) VCF-style: chr5-37064947-C-T.
Other names: c.*822C>T (NM_015384.5); short protein forms Q2790*.
Identifiers: ClinVar variation 1695126 (VCV001695126.31), dbSNP rs2149761269, ClinGen allele CA359523626.
Genomic context (GRCh38, chr5:37,064,845, plus strand): 5'-GACATTATTTACAAAAAAATTGCTCTAACGAGTGCTAATAAGCTGACTAATAAAGTTGTT[C>T]AGACTTTACGATCCCTGTATGCCGCCAAGGATGGGACTTCCAGCTAATGAATTTGTACAT-3'